The following is an entry in ClinVar:

NM_013275.6(ANKRD11):c.3823G>A (p.Asp1275Asn)

Gene: ANKRD11 (ankyrin repeat domain 11; minus strand). Cytogenetic location: 16q24.3.
Variant type: single nucleotide variant.
Coding change: c.3823G>A on transcript NM_013275.6 (MANE Select); coding-DNA position 3823, G replaced by A.
Protein change: p.Asp1275Asn; replaces aspartic acid 1275 with asparagine.
Molecular consequence: missense variant.
Genome position (GRCh38, 1-based): chr16:89,282,719, C>T on the plus strand (G>A on the coding strand, the complement: ANKRD11 is on the minus strand). VCF-style: chr16-89282719-C-T. GRCh37 (hg19) VCF-style: chr16-89349127-C-T.
Other names: c.3823G>A, p.Asp1275Asn (NM_001256182.2, NM_001256183.2); short protein forms D1275N.
Identifiers: ClinVar variation 4577837 (VCV004577837.2).

ClinVar aggregate classification (germline): Uncertain significance. Review status: criteria provided, multiple submitters, no conflicts (2 of 4 stars). 2 submissions from 2 submitters: Uncertain significance (2). Last evaluated 2025-11-26.

Conditions:
KBG syndrome (KBGS). Also called: ANKRD11-Related KBG Syndrome. Identifiers: Orphanet 2332, MedGen C0220687, MONDO:0007846, OMIM 148050.
Inborn genetic diseases. Identifiers: MedGen C0950123, MeSH D030342.

gnomAD v4.1: 25 of 1,613,926 alleles (0.0015%); highest among the groups gnomAD compares: Non-Finnish European, 0.0019%; no homozygotes.

Submissions (2):

Ambry Genetics
Classification: Uncertain significance for Inborn genetic diseases. Last evaluated: 2025-11-26. Review status: criteria provided, single submitter. Criteria: Ambry Variant Classification Scheme 2023. Collection method: clinical testing. Allele origin: germline.

Labcorp Genetics (formerly Invitae), Labcorp
Classification: Uncertain significance for KBG syndrome. Last evaluated: 2025-09-14. Review status: criteria provided, single submitter. Criteria: Invitae Variant Classification Sherloc (09022015). Collection method: clinical testing. Allele origin: germline.
Comment: This sequence change replaces aspartic acid, which is acidic and polar, with asparagine, which is neutral and polar, at codon 1275 of the ANKRD11 protein (p.Asp1275Asn). This variant is present in population databases (rs771350366, gnomAD 0.003%). This variant has not been reported in the literature in individuals affected with ANKRD11-related conditions. Invitae Evidence Modeling of protein sequence and biophysical properties (such as structural, functional, and spatial information, amino acid conservation, physicochemical variation, residue mobility, and thermodynamic stability) indicates that this missense variant is not expected to disrupt ANKRD11 protein function with a negative predictive value of 95%. In summary, the available evidence is currently insufficient to determine the role of this variant in disease. Therefore, it has been classified as a Variant of Uncertain Significance.